The following is an entry in ClinVar:

NM_004006.3(DMD):c.2143A>T (p.Thr715Ser)

Gene: DMD (dystrophin; minus strand). Cytogenetic location: Xp21.1.
Variant type: single nucleotide variant.
Coding change: c.2143A>T on transcript NM_004006.3 (MANE Select); coding-DNA position 2143, A replaced by T.
Protein change: p.Thr715Ser; replaces threonine 715 with serine.
Molecular consequence: missense variant.
Genome position (GRCh38, 1-based): chrX:32,545,184, T>A on the plus strand (A>T on the coding strand, the complement: DMD is on the minus strand). VCF-style: chrX-32545184-T-A. GRCh37 (hg19) VCF-style: chrX-32563301-T-A.
Other names: p.T715S:ACT>TCT; c.2119A>T, p.Thr707Ser (NM_000109.4); c.2131A>T, p.Thr711Ser (NM_004009.3); c.1774A>T, p.Thr592Ser (NM_004010.3); short protein forms T715S, T707S, T592S, T711S.
Identifiers: ClinVar variation 94494 (VCV000094494.41), dbSNP rs16998350, ClinGen allele CA285541.

ClinVar aggregate classification (germline): Benign/Likely benign. Review status: criteria provided, multiple submitters, no conflicts (2 of 4 stars). 16 submissions from 16 submitters: Benign (10); Likely benign (3). 3 of the submissions do not count toward it. Last evaluated 2026-02-04.

Conditions:
Dilated cardiomyopathy 3B (CMD3B). Also called: CMD3B: DMD-Related Dilated Cardiomyopathy; CARDIOMYOPATHY, DILATED, X-LINKED; DMD-Associated Dilated Cardiomyopathy. Identifiers: Orphanet 154, MedGen C3668940, MONDO:0010542, OMIM 302045.
Becker muscular dystrophy (BMD). Also called: Becker Muscular Dystrophy (BMD); MUSCULAR DYSTROPHY, PSEUDOHYPERTROPHIC PROGRESSIVE, BECKER TYPE. Identifiers: Orphanet 98895, MedGen C0917713, MONDO:0010311, OMIM 300376.
Duchenne muscular dystrophy (DMD). Also called: Duchenne Muscular Dystrophy (DMD); MUSCULAR DYSTROPHY, PSEUDOHYPERTROPHIC PROGRESSIVE, DUCHENNE TYPE. Identifiers: Orphanet 98896, MedGen C0013264, MONDO:0010679, OMIM 310200.
Cardiomyopathy (CMYO). Also called: Cardiomyopathies. Identifiers: Orphanet 167848, MedGen C0878544, MONDO:0004994, HP:0001638. Inheritance: Various modes of inheritance.
Dystrophin deficiency.
Cardiovascular phenotype. Identifiers: MedGen CN230736.

Allele frequency attached by ClinVar (database versions not stated): gnomAD exomes 0.00171; ExAC 0.00208; ESP Exome Variant Server 0.00549; gnomAD 0.00559 and 0.00594; TOPMed 0.00627; 1000 Genomes Project 0.00742; 1000 Genomes Project 30x 0.00770.
gnomAD v4.1: 1,314 of 1,209,230 alleles (0.11%); highest among the groups gnomAD compares: African/African-American, 1.9%; 15 homozygotes.

Submissions (16):

Labcorp Genetics (formerly Invitae), Labcorp
Classification: Benign for Duchenne muscular dystrophy. Last evaluated: 2026-02-04. Review status: criteria provided, single submitter. Criteria: Invitae Variant Classification Sherloc (09022015). Collection method: clinical testing. Allele origin: germline.

ARUP Laboratories, Molecular Genetics and Genomics, ARUP Laboratories
Classification: Benign. Last evaluated: 2025-05-14. Review status: criteria provided, single submitter. Criteria: ARUP Molecular Germline Variant Investigation Process 2024. Collection method: clinical testing. Allele origin: germline.

Athena Diagnostics
Classification: Benign. Last evaluated: 2025-03-12. Review status: criteria provided, single submitter. Criteria: Athena Diagnostics Criteria. Collection method: clinical testing. Allele origin: unknown.
Comment: The frequency of this variant in the general population is higher than would generally be expected for pathogenic variants in this gene. Computational tools predict this amino acid change may be benign. This variant has been seen where an alternate explanation for disease was also identified.

Women's Health and Genetics/Laboratory Corporation of America, LabCorp
Classification: Likely benign. Last evaluated: 2023-08-19. Review status: criteria provided, single submitter. Criteria: LabCorp Variant Classification Summary - May 2015. Collection method: clinical testing. Allele origin: germline.

Mayo Clinic Laboratories, Mayo Clinic
Classification: Benign. Last evaluated: 2023-04-20. Review status: criteria provided, single submitter. Criteria: ACMG Guidelines, 2015. Collection method: clinical testing. Allele origin: germline. Observed: 9 variant alleles.
Comment: BS1, BS2, BP4

Center for Pediatric Genomic Medicine, Children's Mercy Hospital and Clinics
Classification: Benign. Last evaluated: 2017-05-04. Review status: criteria provided, single submitter. Criteria: ACMG Guidelines, 2015. Collection method: clinical testing. Allele origin: germline.

Illumina Laboratory Services, Illumina
Classification: Benign for Dilated cardiomyopathy 3B. Last evaluated: 2017-04-27. Review status: criteria provided, single submitter. Criteria: ICSL Variant Classification Criteria 13 December 2019. Collection method: clinical testing. Allele origin: germline.
Comment: This variant was observed as part of a predisposition screen in an ostensibly healthy population. A literature search was performed for the gene, cDNA change, and amino acid change (where applicable). Publications were found based on this search. The evidence from the literature, in combination with allele frequency data from public databases where available, was sufficient to rule this variant out of causing disease. Therefore, this variant is classified as benign.

Ambry Genetics
Classification: Benign for Cardiovascular phenotype. Last evaluated: 2015-12-02. Review status: criteria provided, single submitter. Criteria: Ambry Variant Classification Scheme 2023. Collection method: clinical testing. Allele origin: germline.

Laboratory for Molecular Medicine, Mass General Brigham Personalized Medicine
Classification: Benign. Last evaluated: 2015-01-13. Review status: criteria provided, single submitter. Criteria: LMM Criteria. Collection method: clinical testing. Allele origin: germline. Observed: 2 variant alleles.
Comment: p.Thr715Ser in exon 17 of DMD: This variant is not expected to have clinical sig nificance because it has been identified in 1.5% (57/3833) of African American c hromosomes by the NHLBI Exome Sequencing Project (VS/; dbSNP rs16998350).

Eurofins Ntd Llc (ga)
Classification: Benign. Last evaluated: 2014-11-17. Review status: criteria provided, single submitter. Criteria: EGL Classification Definitions 2015. Collection method: clinical testing. Allele origin: germline. Observed: 6 variant alleles, 1 heterozygote, 2 homozygotes, 3 hemizygotes.

GeneDx
Classification: Benign. Last evaluated: 2014-09-23. Review status: criteria provided, single submitter. Criteria: GeneDx Variant Classification (06012015). Collection method: clinical testing. Allele origin: germline. Affected: yes.
Comment: This variant is considered likely benign or benign based on one or more of the following criteria: it is a conservative change, it occurs at a poorly conserved position in the protein, it is predicted to be benign by multiple in silico algorithms, and/or has population frequency not consistent with disease.

Breakthrough Genomics
Classification: Likely benign. Review status: criteria provided, single submitter. Criteria: ACMG Guidelines, 2015. Collection method: not provided. Allele origin: germline. Inheritance: X-linked inheritance. Affected: yes.

Molecular Diagnostic Laboratory for Inherited Cardiovascular Disease, Montreal Heart Institute
Classification: Likely benign. Review status: criteria provided, single submitter. Criteria: ACMG Guidelines, 2015. Collection method: clinical testing. Allele origin: germline. Affected: yes.

Natera, Inc.
Classification: Likely benign for Becker muscular dystrophy; Cardiomyopathy; Duchenne muscular dystrophy; Dystrophin deficiency. Last evaluated: 2017-04-20. Review status: no assertion criteria provided. Collection method: clinical testing. Allele origin: germline. Not counted in ClinVar's aggregate classification.

Clinical Genetics DNA and cytogenetics Diagnostics Lab, Erasmus MC, Erasmus Medical Center
Classification: Benign. Review status: no assertion criteria provided. Collection method: clinical testing. Allele origin: germline. Affected: yes. Study: VKGL Data-share Consensus. Not counted in ClinVar's aggregate classification.

Genome Diagnostics Laboratory, University Medical Center Utrecht
Classification: Benign. Review status: no assertion criteria provided. Collection method: clinical testing. Allele origin: germline. Affected: yes. Study: VKGL Data-share Consensus. Not counted in ClinVar's aggregate classification.

Literature cited by the submitters: PubMed 19760747 (cited by Illumina Laboratory Services, Illumina).